The following is an entry in ClinVar:

NM_005802.5(TOPORS):c.1814A>C (p.Gln605Pro)

Gene: TOPORS (TOP1 binding arginine/serine rich protein, E3 ubiquitin ligase; minus strand). Cytogenetic location: 9p21.1.
Variant type: single nucleotide variant.
Coding change: c.1814A>C on transcript NM_005802.5 (MANE Select); coding-DNA position 1814, A replaced by C.
Protein change: p.Gln605Pro; replaces glutamine 605 with proline.
Molecular consequence: missense variant.
Genome position (GRCh38, 1-based): chr9:32,542,711, T>G on the plus strand (A>C on the coding strand, the complement: TOPORS is on the minus strand). VCF-style: chr9-32542711-T-G. GRCh37 (hg19) VCF-style: chr9-32542709-T-G.
Other names: c.1619A>C, p.Gln540Pro (NM_001195622.2); c.1814A>C (NM_005802.4); short protein forms Q540P, Q605P.
Identifiers: ClinVar variation 1024581 (VCV001024581.10), dbSNP rs757403604, ClinGen allele CA5020465.

ClinVar aggregate classification (germline): Uncertain significance. Review status: criteria provided, multiple submitters, no conflicts (2 of 4 stars). 3 submissions from 3 submitters: Uncertain significance (3). Last evaluated 2025-04-17.

Conditions:
Inborn genetic diseases. Identifiers: MedGen C0950123, MeSH D030342.

Allele frequency attached by ClinVar (database versions not stated): gnomAD 0.00001; gnomAD exomes 0.00001 and 0.00002; ExAC 0.00003.
gnomAD v4.1: 12 of 1,613,960 alleles (0.00074%); highest among the groups gnomAD compares: Middle Eastern, 0.049%; no homozygotes.

Submissions (3):

Labcorp Genetics (formerly Invitae), Labcorp
Classification: Uncertain significance. Last evaluated: 2025-04-17. Review status: criteria provided, single submitter. Criteria: Invitae Variant Classification Sherloc (09022015). Collection method: clinical testing. Allele origin: germline.
Comment: This sequence change replaces glutamine, which is neutral and polar, with proline, which is neutral and non-polar, at codon 605 of the TOPORS protein (p.Gln605Pro). This variant is present in population databases (rs757403604, gnomAD 0.004%). This variant has not been reported in the literature in individuals affected with TOPORS-related conditions. ClinVar contains an entry for this variant (Variation ID: 1024581). Experimental studies and prediction algorithms are not available or were not evaluated, and the functional significance of this variant is currently unknown. In summary, the available evidence is currently insufficient to determine the role of this variant in disease. Therefore, it has been classified as a Variant of Uncertain Significance.

Ambry Genetics
Classification: Uncertain significance for Inborn genetic diseases. Last evaluated: 2022-07-06. Review status: criteria provided, single submitter. Criteria: Ambry Variant Classification Scheme 2023. Collection method: clinical testing. Allele origin: germline.

Blueprint Genetics
Classification: Uncertain significance. Last evaluated: 2022-06-13. Review status: criteria provided, single submitter. Criteria: ACMG Guidelines, 2015. Collection method: clinical testing. Allele origin: germline.